The following is an entry in ClinVar:

NM_000143.4(FH):c.1519C>G (p.Leu507Val)

Gene: FH (fumarate hydratase; minus strand). Cytogenetic location: 1q43.
Variant type: single nucleotide variant.
Coding change: c.1519C>G on transcript NM_000143.4 (MANE Select); coding-DNA position 1519, C replaced by G.
Protein change: p.Leu507Val; replaces leucine 507 with valine.
Molecular consequence: missense variant.
Genome position (GRCh38, 1-based): chr1:241,497,842, G>C on the plus strand (C>G on the coding strand, the complement: FH is on the minus strand). VCF-style: chr1-241497842-G-C. GRCh37 (hg19) VCF-style: chr1-241661142-G-C.
Other names: short protein forms L507V.
Identifiers: ClinVar variation 4838564 (VCV004838564.1).
Genomic context (GRCh38, chr1:241,497,842, plus strand): 5'-TTTTTAAATTTTATACATGTTTATTTTCATTATAAATTTATGTAAATCACTTTGGACCCA[G>C]CATGTCCTTAGGTTTTACCCATTCGTCAAACTGCTCTGCTGTGAGATAGCCAAGTTCGAT-3'
Protein context (NP_000134.2, residues 497-510): FDEWVKPKDM[Leu507Val]GPK

ClinVar aggregate classification (germline): Uncertain significance (1 of 4 stars; one submission).

Conditions:
Hereditary cancer-predisposing syndrome. Also called: Neoplastic Syndromes, Hereditary; Tumor predisposition; Hereditary Cancer Syndrome; Hereditary neoplastic syndrome. Identifiers: Orphanet 140162, MedGen C0027672, MeSH D009386, MONDO:0015356.

gnomAD v4.1: 1 of 1,608,860 alleles (0.000062%); highest among the groups gnomAD compares: Non-Finnish European, 0.000085%; no homozygotes.

Submission:

Ambry Genetics
Classification: Uncertain significance for Hereditary cancer-predisposing syndrome. Last evaluated: 2025-12-23. Review status: criteria provided, single submitter. Criteria: Ambry Variant Classification Scheme 2023. Collection method: clinical testing. Allele origin: germline.
Comment: The p.L507V variant (also known as c.1519C>G), located in coding exon 10 of the FH gene, results from a C to G substitution at nucleotide position 1519. The leucine at codon 507 is replaced by valine, an amino acid with highly similar properties. This amino acid position is highly conserved in available vertebrate species. In addition, the in silico prediction for this alteration is inconclusive. Based on the available evidence, the clinical significance of this variant remains unclear.